The following is an entry in ClinVar:

ClinVar aggregate classification (germline): Uncertain significance. Review status: criteria provided, multiple submitters, no conflicts (2 of 4 stars). 2 submissions from 2 submitters: Uncertain significance (2). Last evaluated 2025-02-10.

Allele frequency attached by ClinVar (database versions not stated): gnomAD 0.00001; gnomAD exomes below 0.00001; TOPMed 0.00003.
gnomAD v4.1: 4 of 1,614,032 alleles (0.00025%); highest among the groups gnomAD compares: Admixed American, 0.0033%; no homozygotes.

Submissions (2):

Ambry Genetics
Classification: Uncertain significance. Last evaluated: 2025-02-10. Review status: criteria provided, single submitter. Criteria: Ambry Variant Classification Scheme 2023. Collection method: clinical testing. Allele origin: germline.

Labcorp Genetics (formerly Invitae), Labcorp
Classification: Uncertain significance. Last evaluated: 2022-07-29. Review status: criteria provided, single submitter. Criteria: Invitae Variant Classification Sherloc (09022015). Collection method: clinical testing. Allele origin: germline.
Comment: This variant has not been reported in the literature in individuals affected with DNAJC17-related conditions. Algorithms developed to predict the effect of missense changes on protein structure and function are either unavailable or do not agree on the potential impact of this missense change (SIFT: "Deleterious"; PolyPhen-2: "Benign"; Align-GVGD: "Class C0"). In summary, the available evidence is currently insufficient to determine the role of this variant in disease. Therefore, it has been classified as a Variant of Uncertain Significance. This variant is present in population databases (no rsID available, gnomAD 0.003%). This sequence change replaces cysteine, which is neutral and slightly polar, with tyrosine, which is neutral and polar, at codon 179 of the DNAJC17 protein (p.Cys179Tyr).

NM_018163.3(DNAJC17):c.536G>A (p.Cys179Tyr)

Gene: DNAJC17 (DnaJ heat shock protein family (Hsp40) member C17; minus strand). Cytogenetic location: 15q15.1.
Variant type: single nucleotide variant.
Coding change: c.536G>A on transcript NM_018163.3 (MANE Select); coding-DNA position 536, G replaced by A.
Protein change: p.Cys179Tyr; replaces cysteine 179 with tyrosine.
Molecular consequence: missense variant.
Genome position (GRCh38, 1-based): chr15:40,775,095, C>T on the plus strand (G>A on the coding strand, the complement: DNAJC17 is on the minus strand). VCF-style: chr15-40775095-C-T. GRCh37 (hg19) VCF-style: chr15-41067293-C-T.
Other names: c.536G>A (NM_018163.2); short protein forms C179Y.
Identifiers: ClinVar variation 2079373 (VCV002079373.5), dbSNP rs1462476554, ClinGen allele CA391763424.
Genomic context (GRCh38, chr15:40,775,095, plus strand): 5'-TGCAAAAGCCGTAGGAGGACGTCTTTGGAGTAGCCACCTTTTGACTCATCCTCCTTCTTG[C>T]ACTTCCATTTTAGCTGAAAAGAGAGCCTCATGAAACACTGATTCTTGGCTGAACAGTACC-3'
Protein context (NP_060633.1, residues 169-189): GTPKLKLKWK[Cys179Tyr]KKEDESKGGY